The following is an entry in ClinVar:

ClinVar aggregate classification (germline): Uncertain significance (1 of 4 stars; one submission).

Conditions:
Encephalopathy, acute, infection-induced (herpes-specific), susceptibility to, 1. Also called: Herpes simplex encephalitis, susceptibility to, 1. Identifiers: Orphanet 1930, MedGen C2750180, MONDO:0024563, OMIM 610551.

Submission:

Labcorp Genetics (formerly Invitae), Labcorp
Classification: Uncertain significance for Encephalopathy, acute, infection-induced (herpes-specific), susceptibility to, 1. Last evaluated: 2022-06-27. Review status: criteria provided, single submitter. Criteria: Invitae Variant Classification Sherloc (09022015). Collection method: clinical testing. Allele origin: germline.
Comment: In summary, the available evidence is currently insufficient to determine the role of this variant in disease. Therefore, it has been classified as a Variant of Uncertain Significance. This variant has not been reported in the literature in individuals affected with UNC93B1-related conditions. This variant is not present in population databases (gnomAD no frequency). This sequence change creates a premature translational stop signal (p.Gly385Thrfs*106) in the UNC93B1 gene. While this is not anticipated to result in nonsense mediated decay, it is expected to disrupt the last 213 amino acid(s) of the UNC93B1 protein.

NM_030930.4(UNC93B1):c.1152_1168del (p.Gly385fs)

Gene: UNC93B1 (unc-93B1 regulator of TLR signaling; minus strand). Cytogenetic location: 11q13.2.
Variant type: Deletion.
Coding change: c.1152_1168del on transcript NM_030930.4 (MANE Select); coding-DNA positions 1152 to 1168, 17 bases deleted (GGGCGCCTCAGCCGCCT).
Protein change: p.Gly385fs; shifts the reading frame from glycine 385.
Molecular consequence: frameshift variant.
Genome position (GRCh38, 1-based): chr11:67,995,806-67,995,822, AGGCGGCTGAGGCGCCC deleted on the plus strand (GGGCGCCTCAGCCGCCT on the coding strand, the reverse complement: UNC93B1 is on the minus strand); deleting any 17 consecutive bases within chr11:67,995,806-67,995,826 gives the same sequence; the c. name uses the placement nearest the transcript's 3' end. VCF-style (leftmost placement, unchanged base first): chr11-67995805-GAGGCGGCTGAGGCGCCC-G. GRCh37 (hg19) VCF-style: chr11-67763276-GAGGCGGCTGAGGCGCCC-G.
Other names: short protein forms G385fs.
Identifiers: ClinVar variation 1347147 (VCV001347147.6), dbSNP rs2134359450, ClinGen allele CA2573147483.
Genomic context (GRCh38, chr11:67,995,805, plus strand): 5'-CCTGCTCCGGCCACCAGGGGCACCGGGCGTGGCAGCCACAGGCCCAGCAGGCCCAGGAGT[GAGGCGGCTGAGGCGCCC>G]AGGCTGTAAGCCACGAGGAGGTAAGCCAGCCGCTCCAGCCCCACCGAGCACACGCCATAG-3'